The following is an entry in ClinVar:

ClinVar aggregate classification (germline): Uncertain significance. Review status: criteria provided, single submitter (1 of 4 stars). 2 submissions from 2 submitters: Uncertain significance (1). 1 of the submissions does not count toward it. Last evaluated 2026-07-27.

Conditions:
Renal tubulopathies.
Familial hypokalemia-hypomagnesemia (GTLMNS). Also called: gitelman syndrome; HYPOMAGNESEMIA-HYPOKALEMIA, PRIMARY RENOTUBULAR, WITH HYPOCALCIURIA; POTASSIUM AND MAGNESIUM DEPLETION. Identifiers: Orphanet 358, MedGen C0268450, MONDO:0009904, OMIM 263800.

gnomAD v4.1: 1 of 1,613,648 alleles (0.000062%); highest among the groups gnomAD compares: Middle Eastern, 0.016%; no homozygotes.

Submissions (2):

Genetics Laboratory, Great Ormond Street Hospital NHS Foundation Trust, North Thames Genomic Laboratory Hub
Classification: Uncertain significance for Renal tubulopathies. Last evaluated: 2026-07-27. Review status: criteria provided, single submitter. Criteria: ACGS Best Practice Guidelines for Variant Classification in Rare Disease 2024 v1.2. Collection method: clinical testing. Allele origin: germline. Affected: yes.
Comment: PM2_moderate, PP3_supporting, PM3_moderate

Bioscientia Institut fuer Medizinische Diagnostik GmbH, Sonic Healthcare
Classification: Likely pathogenic for Familial hypokalemia-hypomagnesemia. Last evaluated: 2018-09-24. Review status: no assertion criteria provided. Collection method: clinical testing. Allele origin: germline. Affected: yes. Not counted in ClinVar's aggregate classification.

NM_001126108.2(SLC12A3):c.1406C>A (p.Ala469Asp)

Gene: SLC12A3 (solute carrier family 12 member 3; plus strand). Cytogenetic location: 16q13.
Variant type: single nucleotide variant.
Coding change: c.1406C>A on transcript NM_001126108.2 (MANE Select); coding-DNA position 1406, C replaced by A.
Protein change: p.Ala469Asp; replaces alanine 469 with aspartic acid.
Molecular consequence: missense variant.
Genome position (GRCh38, 1-based): chr16:56,879,612, C>A. VCF-style: chr16-56879612-C-A. GRCh37 (hg19) VCF-style: chr16-56913524-C-A.
Other names: c.1406C>A, p.Ala469Asp (NM_000339.3); c.1403C>A, p.Ala468Asp (NM_001126107.2); short protein forms A469D, A468D.
Identifiers: ClinVar variation 635424 (VCV000635424.3), dbSNP rs139743444, ClinGen allele CA395987648.